The following is an entry in ClinVar:

NM_000391.4(TPP1):c.489G>C (p.Leu163Phe)

Gene: TPP1 (tripeptidyl peptidase 1; minus strand). Cytogenetic location: 11p15.4.
Variant type: single nucleotide variant.
Coding change: c.489G>C on transcript NM_000391.4 (MANE Select); coding-DNA position 489, G replaced by C.
Protein change: p.Leu163Phe; replaces leucine 163 with phenylalanine.
Molecular consequence: missense variant.
Genome position (GRCh38, 1-based): chr11:6,617,320, C>G on the plus strand (G>C on the coding strand, the complement: TPP1 is on the minus strand). VCF-style: chr11-6617320-C-G. GRCh37 (hg19) VCF-style: chr11-6638551-C-G.
Other names: short protein forms L163F.
Identifiers: ClinVar variation 2063811 (VCV002063811.1), dbSNP rs756202166, ClinGen allele CA5858943.
Genomic context (GRCh38, chr11:6,617,320, plus strand): 5'-GATCTGTGTGCCCCAACCCCCATTCACCCCATAGGTGTTACCAAAGTCCACATGGGGGGC[C>G]AAGGCCTGTGGAAGCTGGTAGGGATGTGGGGACCTTACAACATGGGTTTCCGTAGGTCCT-3'
Protein context (NP_000382.3, residues 153-173): SPHPYQLPQA[Leu163Phe]APHVDFVGGL

ClinVar aggregate classification (germline): Uncertain significance (1 of 4 stars; one submission).

Allele frequency attached by ClinVar (database versions not stated): ExAC 0.00001.

Submission:

Labcorp Genetics (formerly Invitae), Labcorp
Classification: Uncertain significance. Last evaluated: 2022-08-16. Review status: criteria provided, single submitter. Criteria: Invitae Variant Classification Sherloc (09022015). Collection method: clinical testing. Allele origin: germline.
Comment: This sequence change replaces leucine, which is neutral and non-polar, with phenylalanine, which is neutral and non-polar, at codon 163 of the TPP1 protein (p.Leu163Phe). This variant is present in population databases (rs756202166, gnomAD 0.0009%). This variant has not been reported in the literature in individuals affected with TPP1-related conditions. Advanced modeling of protein sequence and biophysical properties (such as structural, functional, and spatial information, amino acid conservation, physicochemical variation, residue mobility, and thermodynamic stability) performed at Invitae indicates that this missense variant is expected to disrupt TPP1 protein function. In summary, the available evidence is currently insufficient to determine the role of this variant in disease. Therefore, it has been classified as a Variant of Uncertain Significance.